The following is an entry in ClinVar:

ClinVar aggregate classification (germline): Uncertain significance. Review status: criteria provided, multiple submitters, no conflicts (2 of 4 stars). 2 submissions from 2 submitters: Uncertain significance (2). Last evaluated 2022-07-11.

Conditions:
Episodic kinesigenic dyskinesia (EKD). Also called: Paroxysmal kinesigenic dyskinesia. Identifiers: Orphanet 98809, MedGen C1868682, MONDO:0044202.

gnomAD v4.1: 2 of 1,594,686 alleles (0.00013%); highest among the groups gnomAD compares: Non-Finnish European, 0.00017%; no homozygotes.

Submissions (2):

Labcorp Genetics (formerly Invitae), Labcorp
Classification: Uncertain significance for Episodic kinesigenic dyskinesia. Last evaluated: 2022-07-11. Review status: criteria provided, single submitter. Criteria: Invitae Variant Classification Sherloc (09022015). Collection method: clinical testing. Allele origin: germline.
Comment: In summary, the available evidence is currently insufficient to determine the role of this variant in disease. Therefore, it has been classified as a Variant of Uncertain Significance. Algorithms developed to predict the effect of missense changes on protein structure and function (SIFT, PolyPhen-2, Align-GVGD) all suggest that this variant is likely to be tolerated. ClinVar contains an entry for this variant (Variation ID: 1304099). This variant has not been reported in the literature in individuals affected with PRRT2-related conditions. This variant is not present in population databases (gnomAD no frequency). This sequence change replaces valine, which is neutral and non-polar, with glutamic acid, which is acidic and polar, at codon 338 of the PRRT2 protein (p.Val338Glu).

GeneDx
Classification: Uncertain significance. Last evaluated: 2019-09-16. Review status: criteria provided, single submitter. Criteria: GeneDx Variant Classification Process June 2021. Collection method: clinical testing. Allele origin: germline. Affected: yes.
Comment: Not observed at a significant frequency in large population cohorts (Lek et al., 2016); In silico analysis, which includes protein predictors and evolutionary conservation, supports that this variant does not alter protein structure/function; Has not been previously published as pathogenic or benign to our knowledge

NM_145239.3(PRRT2):c.1013T>A (p.Val338Glu)

Genes: MVP-DT (MVP divergent transcript; minus strand), PRRT2 (proline rich transmembrane protein 2; plus strand). Cytogenetic location: 16p11.2.
Variant type: single nucleotide variant.
Coding change: c.1013T>A on transcript NM_145239.3 (MANE Select); coding-DNA position 1013, T replaced by A.
Protein change: p.Val338Glu; replaces valine 338 with glutamic acid.
Molecular consequence: missense variant. On other transcripts: 3 prime UTR variant (1).
Genome position (GRCh38, 1-based): chr16:29,814,628, T>A. VCF-style: chr16-29814628-T-A. GRCh37 (hg19) VCF-style: chr16-29825949-T-A.
Other names: c.1175T>A, p.Val392Glu (NM_001256442.2); c.*674T>A (NM_001256443.2); short protein forms V338E, V392E.
Identifiers: ClinVar variation 1304099 (VCV001304099.6), dbSNP rs144540943, ClinGen allele CA395481542.